The following is an entry in ClinVar:

ClinVar aggregate classification (germline): Uncertain significance. Review status: criteria provided, multiple submitters, no conflicts (2 of 4 stars). 2 submissions from 2 submitters: Uncertain significance (2). Last evaluated 2025-08-25.

Conditions:
Hereditary cancer-predisposing syndrome. Also called: Tumor predisposition; Hereditary neoplastic syndrome; Neoplastic Syndromes, Hereditary; Hereditary Cancer Syndrome. Identifiers: Orphanet 140162, MedGen C0027672, MeSH D009386, MONDO:0015356.
Ataxia-telangiectasia syndrome (AT). Also called: Ataxia-telangiectasia, complementation group D; AT, COMPLEMENTATION GROUP C; ATAXIA-TELANGIECTASIA, COMPLEMENTATION GROUP A; ATAXIA-TELANGIECTASIA, FRESNO VARIANT; Ataxia-telangiectasia; LOUIS-BAR SYNDROME. Identifiers: Orphanet 100, MedGen C0004135, MONDO:0008840, OMIM 208900.

Submissions (2):

Labcorp Genetics (formerly Invitae), Labcorp
Classification: Uncertain significance for Ataxia-telangiectasia syndrome. Last evaluated: 2025-08-25. Review status: criteria provided, single submitter. Criteria: Invitae Variant Classification Sherloc (09022015). Collection method: clinical testing. Allele origin: germline.
Comment: This sequence change replaces valine, which is neutral and non-polar, with isoleucine, which is neutral and non-polar, at codon 2365 of the ATM protein (p.Val2365Ile). This variant is not present in population databases (gnomAD no frequency). This variant has not been reported in the literature in individuals affected with ATM-related conditions. ClinVar contains an entry for this variant (Variation ID: 647224). Invitae Evidence Modeling of protein sequence and biophysical properties (such as structural, functional, and spatial information, amino acid conservation, physicochemical variation, residue mobility, and thermodynamic stability) indicates that this missense variant is not expected to disrupt ATM protein function with a negative predictive value of 95%. In summary, the available evidence is currently insufficient to determine the role of this variant in disease. Therefore, it has been classified as a Variant of Uncertain Significance.

Ambry Genetics
Classification: Uncertain significance for Hereditary cancer-predisposing syndrome. Last evaluated: 2024-04-25. Review status: criteria provided, single submitter. Criteria: Ambry Variant Classification Scheme 2023. Collection method: clinical testing. Allele origin: germline.
Comment: The p.V2365I variant (also known as c.7093G>A), located in coding exon 48 of the ATM gene, results from a G to A substitution at nucleotide position 7093. The valine at codon 2365 is replaced by isoleucine, an amino acid with highly similar properties. This amino acid position is conserved. In addition, this alteration is predicted to be tolerated by in silico analysis. Based on the available evidence, the clinical significance of this variant remains unclear.

NM_000051.4(ATM):c.7093G>A (p.Val2365Ile)

Genes: ATM (ATM serine/threonine kinase; plus strand), C11orf65 (chromosome 11 open reading frame 65; minus strand). Cytogenetic location: 11q22.3.
Variant type: single nucleotide variant.
Coding change: c.7093G>A on transcript NM_000051.4 (MANE Select); coding-DNA position 7093, G replaced by A.
Protein change: p.Val2365Ile; replaces valine 2365 with isoleucine.
Molecular consequence: missense variant. On other transcripts: intron variant (2).
Genome position (GRCh38, 1-based): chr11:108,329,024, G>A. VCF-style: chr11-108329024-G-A. GRCh37 (hg19) VCF-style: chr11-108199751-G-A.
Other names: c.7093G>A, p.Val2365Ile (NM_001351834.2); c.641-19953C>T (NM_001330368.2); c.*38+6196C>T (NM_001351110.2); short protein forms V2365I.
Identifiers: ClinVar variation 647224 (VCV000647224.10), dbSNP rs1591150377, ClinGen allele CA382559381.